The following is an entry in ClinVar:

NM_004168.4(SDHA):c.1857G>A (p.Glu619=)

Gene: SDHA (succinate dehydrogenase complex flavoprotein subunit A; plus strand). Cytogenetic location: 5p15.33.
Variant type: single nucleotide variant.
Coding change: c.1857G>A on transcript NM_004168.4 (MANE Select); coding-DNA position 1857, G replaced by A.
Protein change: p.Glu619=; no amino-acid change (glutamic acid 619 retained).
Molecular consequence: synonymous variant.
Genome position (GRCh38, 1-based): chr5:254,455, G>A. VCF-style: chr5-254455-G-A. GRCh37 (hg19) VCF-style: chr5-254570-G-A.
Other names: c.1713G>A, p.Glu571= (NM_001294332.2); c.1614G>A, p.Glu538= (NM_001330758.2).
Identifiers: ClinVar variation 472362 (VCV000472362.16), dbSNP rs1247081812, ClinGen allele CA359001980.

ClinVar aggregate classification (germline): Benign/Likely benign. Review status: criteria provided, multiple submitters, no conflicts (2 of 4 stars). 4 submissions from 4 submitters: Benign (1); Likely benign (2). 1 of the submissions does not count toward it. Last evaluated 2025-03-11.

Conditions:
Hereditary cancer-predisposing syndrome. Also called: Neoplastic Syndromes, Hereditary; Hereditary Cancer Syndrome; Hereditary neoplastic syndrome; Tumor predisposition. Identifiers: Orphanet 140162, MedGen C0027672, MeSH D009386, MONDO:0015356.
SDHA-related disorder. Also called: SDHA-related condition; SDHA-related disorders.
Mitochondrial complex II deficiency, nuclear type 1. Also called: SUCCINATE CoQ REDUCTASE DEFICIENCY. Identifiers: Orphanet 3208, MedGen C5700310, MONDO:0100294, OMIM 252011.
Pheochromocytoma/paraganglioma syndrome 5. Also called: Paragangliomas 5; SDHA-Related Hereditary Paraganglioma-Pheochromocytoma Syndrome. Identifiers: Orphanet 29072, MedGen C3279992, MONDO:0013602, OMIM 614165.

Allele frequency attached by ClinVar (database versions not stated): gnomAD exomes 0.00001.
gnomAD v4.1: 3 of 1,591,726 alleles (0.00019%); highest among the groups gnomAD compares: Non-Finnish European, 0.00026%; no homozygotes.

Submissions (4):

Myriad Genetics, Inc.
Classification: Benign for Pheochromocytoma/paraganglioma syndrome 5. Last evaluated: 2025-03-11. Review status: criteria provided, single submitter. Criteria: Myriad Autosomal Dominant, Autosomal Recessive and X-Linked Classification Criteria (2023). Collection method: clinical testing. Allele origin: unknown.
Comment: This variant is considered benign. This variant is a silent/synonymous amino acid change and it is not expected to impact splicing.

Labcorp Genetics (formerly Invitae), Labcorp
Classification: Likely benign for Pheochromocytoma/paraganglioma syndrome 5; Mitochondrial complex II deficiency, nuclear type 1. Last evaluated: 2022-09-01. Review status: criteria provided, single submitter. Criteria: Invitae Variant Classification Sherloc (09022015). Collection method: clinical testing. Allele origin: germline.

Ambry Genetics
Classification: Likely benign for Hereditary cancer-predisposing syndrome. Last evaluated: 2021-03-09. Review status: criteria provided, single submitter. Criteria: Ambry Variant Classification Scheme 2023. Collection method: clinical testing. Allele origin: germline.

PreventionGenetics, part of Exact Sciences
Classification: Likely benign for SDHA-related condition. Last evaluated: 2023-03-30. Review status: no assertion criteria provided. Collection method: clinical testing. Allele origin: germline. Not counted in ClinVar's aggregate classification.
Comment: This variant is classified as likely benign based on ACMG/AMP sequence variant interpretation guidelines (Richards et al. 2015 PMID: 25741868, with internal and published modifications).